The following is an entry in ClinVar:

ClinVar aggregate classification (germline): Uncertain significance. Review status: criteria provided, multiple submitters, no conflicts (2 of 4 stars). 2 submissions from 2 submitters: Uncertain significance (2). Last evaluated 2025-11-19.

Conditions:
Rubinstein-Taybi syndrome (RSTS). Identifiers: Orphanet 783, MedGen C0035934, MONDO:0019188.
CREBBP-related disorder. Also called: CREBBP-related condition; CREBBP-related disorders.

gnomAD v4.1: 17 of 1,600,380 alleles (0.0011%); highest among the groups gnomAD compares: South Asian, 0.0055%; no homozygotes.

Submissions (2):

PreventionGenetics, part of Exact Sciences
Classification: Uncertain significance for CREBBP-related condition. Last evaluated: 2025-11-19. Review status: criteria provided, single submitter. Criteria: ACMG Guidelines, 2015. Collection method: clinical testing. Allele origin: germline.
Comment: The CREBBP c.3836C>T variant is predicted to result in the amino acid substitution p.Pro1279Leu. To our knowledge, this variant has not been reported in the literature. This variant is reported in 0.0099% of alleles in individuals of South Asian descent in gnomAD. At this time, the clinical significance of this variant is uncertain due to the absence of conclusive functional and genetic evidence.

Labcorp Genetics (formerly Invitae), Labcorp
Classification: Uncertain significance for Rubinstein-Taybi syndrome. Last evaluated: 2025-10-07. Review status: criteria provided, single submitter. Criteria: Invitae Variant Classification Sherloc (09022015). Collection method: clinical testing. Allele origin: germline.
Comment: This sequence change replaces proline, which is neutral and non-polar, with leucine, which is neutral and non-polar, at codon 1279 of the CREBBP protein (p.Pro1279Leu). This variant is present in population databases (rs749189606, gnomAD 0.01%). This variant has not been reported in the literature in individuals affected with CREBBP-related conditions. Invitae Evidence Modeling of protein sequence and biophysical properties (such as structural, functional, and spatial information, amino acid conservation, physicochemical variation, residue mobility, and thermodynamic stability) indicates that this missense variant is not expected to disrupt CREBBP protein function with a negative predictive value of 95%. In summary, the available evidence is currently insufficient to determine the role of this variant in disease. Therefore, it has been classified as a Variant of Uncertain Significance.

NM_004380.3(CREBBP):c.3836C>T (p.Pro1279Leu)

Gene: CREBBP (CREB binding lysine acetyltransferase; minus strand). Cytogenetic location: 16p13.3.
Variant type: single nucleotide variant.
Coding change: c.3836C>T on transcript NM_004380.3 (MANE Select); coding-DNA position 3836, C replaced by T.
Protein change: p.Pro1279Leu; replaces proline 1279 with leucine.
Molecular consequence: missense variant.
Genome position (GRCh38, 1-based): chr16:3,749,627, G>A on the plus strand (C>T on the coding strand, the complement: CREBBP is on the minus strand). VCF-style: chr16-3749627-G-A. GRCh37 (hg19) VCF-style: chr16-3799628-G-A.
Other names: c.3722C>T, p.Pro1241Leu (NM_001079846.1); c.3836C>T (NM_004380.2); short protein forms P1279L, P1241L.
Identifiers: ClinVar variation 4705378 (VCV004705378.2).